The following is an entry in ClinVar:

ClinVar aggregate classification (germline): Uncertain significance (1 of 4 stars; one submission).

Conditions:
Epidermolysis bullosa simplex with nail dystrophy (EBS5D). Identifiers: MedGen C4225309, MONDO:0014661, OMIM 616487.
Autosomal recessive limb-girdle muscular dystrophy type 2Q (LGMDR17). Also called: MUSCULAR DYSTROPHY, LIMB-GIRDLE, AUTOSOMAL RECESSIVE 17. Identifiers: Orphanet 254361, MedGen C3150989, MONDO:0013390, OMIM 613723.
Epidermolysis bullosa simplex 5C, with pyloric atresia (EBS5C). Also called: PLEC1-Related Epidermolysis Bullosa with Pyloric Atresia; PLEC-Related Epidermolysis Bullosa with Pyloric Atresia; Epidermolysis bullosa simplex with pyloric atresia. Identifiers: Orphanet 158684, MedGen C2677349, MONDO:0012807, OMIM 612138.
Epidermolysis bullosa simplex 5B, with muscular dystrophy (EBS5B). Also called: Epidermolysis bullosa simplex with muscular dystrophy; EPIDERMOLYSIS BULLOSA SIMPLEX AND LIMB-GIRDLE MUSCULAR DYSTROPHY. Identifiers: Orphanet 257, MedGen C2931072, MONDO:0009181, OMIM 226670.
Epidermolysis bullosa simplex, Ogna type (EBS5A). Also called: EPIDERMOLYSIS BULLOSA SIMPLEX 5A, OGNA TYPE; Pidermolysis bullosa simplex 5A, Ogna type. Identifiers: Orphanet 79401, MedGen C0432317, MONDO:0007555, OMIM 131950.

Allele frequency attached by ClinVar (database versions not stated): gnomAD exomes below 0.00001; gnomAD 0.00002.
gnomAD v4.1: 9 of 1,598,728 alleles (0.00056%); highest among the groups gnomAD compares: African/African-American, 0.0027%; no homozygotes.

Submission:

Labcorp Genetics (formerly Invitae), Labcorp
Classification: Uncertain significance for Autosomal recessive limb-girdle muscular dystrophy type 2Q; Epidermolysis bullosa simplex, Ogna type; Epidermolysis bullosa simplex with nail dystrophy; Epidermolysis bullosa simplex 5C, with pyloric atresia; Epidermolysis bullosa simplex 5B, with muscular dystrophy. Last evaluated: 2023-11-18. Review status: criteria provided, single submitter. Criteria: Invitae Variant Classification Sherloc (09022015). Collection method: clinical testing. Allele origin: germline.
Comment: This sequence change replaces valine, which is neutral and non-polar, with methionine, which is neutral and non-polar, at codon 2647 of the PLEC protein (p.Val2647Met). This variant is present in population databases (no rsID available, gnomAD 0.002%). This variant has not been reported in the literature in individuals affected with PLEC-related conditions. Advanced modeling of protein sequence and biophysical properties (such as structural, functional, and spatial information, amino acid conservation, physicochemical variation, residue mobility, and thermodynamic stability) performed at Invitae indicates that this missense variant is not expected to disrupt PLEC protein function with a negative predictive value of 80%. In summary, the available evidence is currently insufficient to determine the role of this variant in disease. Therefore, it has been classified as a Variant of Uncertain Significance.

NM_201384.3(PLEC):c.7858G>A (p.Val2620Met)

Gene: PLEC (plectin; minus strand). Cytogenetic location: 8q24.3.
Variant type: single nucleotide variant.
Coding change: c.7858G>A on transcript NM_201384.3 (MANE Select); coding-DNA position 7858, G replaced by A.
Protein change: p.Val2620Met; replaces valine 2620 with methionine.
Molecular consequence: missense variant.
Genome position (GRCh38, 1-based): chr8:143,921,963, C>T on the plus strand (G>A on the coding strand, the complement: PLEC is on the minus strand). VCF-style: chr8-143921963-C-T. GRCh37 (hg19) VCF-style: chr8-144996131-C-T.
Other names: c.8269G>A, p.Val2757Met (NM_201380.4); c.7762G>A, p.Val2588Met (NM_201381.3); c.7858G>A, p.Val2620Met (NM_201382.4); c.7870G>A, p.Val2624Met (NM_201383.3); c.7939G>A, p.Val2647Met (NM_000445.5); c.4558G>A, p.Val1520Met (NM_001410941.1); c.7816G>A, p.Val2606Met (NM_201378.4); c.7792G>A, p.Val2598Met (NM_201379.3); short protein forms V2588M, V2598M, V2620M, V2606M, V2647M, V2757M, V1520M, V2624M.
Identifiers: ClinVar variation 2951775 (VCV002951775.3), dbSNP rs1032949462, ClinGen allele CA187612593.